The following is an entry in ClinVar:

ClinVar aggregate classification (germline): Uncertain significance (1 of 4 stars; one submission).

Submission:

Mayo Clinic Laboratories, Mayo Clinic
Classification: Uncertain significance. Last evaluated: 2025-08-02. Review status: criteria provided, single submitter. Criteria: ACMG Guidelines, 2015. Collection method: clinical testing. Allele origin: germline. Observed: 1 variant allele.
Comment: PM2_supporting

NM_001371904.1(APOA5):c.1051_1055del (p.Ile351fs)

Gene: APOA5 (apolipoprotein A5; minus strand). Cytogenetic location: 11q23.3.
Variant type: Deletion.
Coding change: c.1051_1055del on transcript NM_001371904.1 (MANE Select); coding-DNA positions 1051 to 1055, 5 bases deleted (ATCAC; older notation c.1051_1055delATCAC).
Protein change: p.Ile351fs; shifts the reading frame from isoleucine 351.
Molecular consequence: frameshift variant.
Genome position (GRCh38, 1-based): chr11:116,790,174-116,790,178, GTGAT deleted on the plus strand (ATCAC on the coding strand, the reverse complement: APOA5 is on the minus strand); deleting any 5 consecutive bases within chr11:116,790,174-116,790,180 gives the same sequence; the c. name uses the placement nearest the transcript's 3' end. VCF-style (leftmost placement, unchanged base first): chr11-116790173-AGTGAT-A. GRCh37 (hg19) VCF-style: chr11-116660889-AGTGAT-A.
Other names: p.Ile351Serfs*5; c.1051_1055del, p.Ile351fs (NM_001166598.2, NM_052968.5); short protein forms I351fs.
Identifiers: ClinVar variation 4541665 (VCV004541665.1).
Genomic context (GRCh38, chr11:116,790,173, plus strand): 5'-TGGGCAGGTAGATCCTCAGGGGTCCCCCAGATGGCTGTGGCCCTGGTCATGAAGGCTGTG[AGTGAT>A]GTCTTCCCACAGGTCATCCAGACGGGCCTGCAGCTTGCTCAGAACCTTGCCACTGTCTGT-3'